The following is an entry in ClinVar:

ClinVar aggregate classification (germline): Conflicting classifications of pathogenicity. Review status: criteria provided, conflicting classifications (1 of 4 stars). 7 submissions from 7 submitters: Uncertain significance (6); Likely benign (1). Last evaluated 2025-12-05.

Conditions:
PALB2-related disorder. Also called: PALB2-related disorders; PALB2-related condition.
Familial cancer of breast. Also called: BREAST CANCER, FAMILIAL; hereditary breast carcinoma; Hereditary breast cancer. Identifiers: Orphanet 227535, MedGen C0346153, MONDO:0016419, OMIM 114480. Disease mechanism: loss of function.
Pancreatic cancer, susceptibility to, 3. Identifiers: Orphanet 1333, MedGen C3150547, MONDO:0013236, OMIM 613348.
Fanconi anemia complementation group N. Also called: PALB2-Related Fanconi Anemia. Identifiers: Orphanet 84, MedGen C1835817, MONDO:0012565, OMIM 610832. Disease mechanism: loss of function.
Hereditary cancer-predisposing syndrome. Also called: Tumor predisposition; Hereditary Cancer Syndrome; Hereditary neoplastic syndrome; Neoplastic Syndromes, Hereditary. Identifiers: Orphanet 140162, MedGen C0027672, MeSH D009386, MONDO:0015356.

Allele frequency attached by ClinVar (database versions not stated): TOPMed 0.00001; ExAC 0.00007.

Submissions (7):

Labcorp Genetics (formerly Invitae), Labcorp
Classification: Uncertain significance for Familial cancer of breast. Last evaluated: 2025-12-05. Review status: criteria provided, single submitter. Criteria: Invitae Variant Classification Sherloc (09022015). Collection method: clinical testing. Allele origin: germline.
Comment: This sequence change replaces alanine, which is neutral and non-polar, with proline, which is neutral and non-polar, at codon 491 of the PALB2 protein (p.Ala491Pro). This variant is present in population databases (rs577969558, gnomAD 0.04%). This missense change has been observed in individual(s) with breast cancer (PMID: 31206626). ClinVar contains an entry for this variant (Variation ID: 182789). Invitae Evidence Modeling of protein sequence and biophysical properties (such as structural, functional, and spatial information, amino acid conservation, physicochemical variation, residue mobility, and thermodynamic stability) indicates that this missense variant is not expected to disrupt PALB2 protein function with a negative predictive value of 80%. In summary, the available evidence is currently insufficient to determine the role of this variant in disease. Therefore, it has been classified as a Variant of Uncertain Significance.

Quest Diagnostics Nichols Institute San Juan Capistrano
Classification: Uncertain significance. Last evaluated: 2025-07-16. Review status: criteria provided, single submitter. Criteria: Quest Diagnostics criteria. Collection method: clinical testing. Allele origin: unknown.
Comment: The PALB2 c.1471G>C (p.Ala491Pro) variant has been reported in the published literature in an individual with breast cancer (PMID: 31206626 (2019)). The frequency of this variant in the general population (Genome Aggregation Database) is higher than would generally be expected for pathogenic variants in this gene. Analysis of this variant using bioinformatics tools for the prediction of the effect of amino acid changes on protein structure and function yielded predictions that this variant is benign. Based on the available information, we are unable to determine the clinical significance of this variant.

Color Diagnostics, LLC DBA Color Health
Classification: Uncertain significance for Hereditary cancer-predisposing syndrome. Last evaluated: 2024-08-06. Review status: criteria provided, single submitter. Criteria: ACMG Guidelines, 2015. Collection method: clinical testing. Allele origin: germline.
Comment: This missense variant replaces alanine with proline at codon 491 of the PALB2 protein. Computational prediction suggests that this variant may not impact protein structure and function (internally defined REVEL score threshold <= 0.5, PMID: 27666373). To our knowledge, functional studies have not been reported for this variant. This variant has not been reported in individuals affected with PALB2-related disorders in the literature. This variant has been identified in 15/251402 chromosomes in the general population by the Genome Aggregation Database (gnomAD). The available evidence is insufficient to determine the role of this variant in disease conclusively. Therefore, this variant is classified as a Variant of Uncertain Significance.

Ambry Genetics
Classification: Likely benign for Hereditary cancer-predisposing syndrome. Last evaluated: 2023-04-12. Review status: criteria provided, single submitter. Criteria: Ambry Variant Classification Scheme 2023. Collection method: clinical testing. Allele origin: germline.

PreventionGenetics, part of Exact Sciences
Classification: Uncertain significance for PALB2-related condition. Last evaluated: 2022-10-03. Review status: criteria provided, single submitter. Criteria: ACMG Guidelines, 2015. Collection method: clinical testing. Allele origin: germline.
Comment: The PALB2 c.1471G>C variant is predicted to result in the amino acid substitution p.Ala491Pro. To our knowledge, this variant has not been reported in the literature. This variant is reported in 0.043% of alleles in individuals of Latino descent in gnomAD and is interpreted as a Variant of Uncertain Significance in ClinVar. At this time, the clinical significance of this variant is uncertain due to the absence of conclusive functional and genetic evidence.

Fulgent Genetics
Classification: Uncertain significance for Familial cancer of breast; Fanconi anemia complementation group N; Pancreatic cancer, susceptibility to, 3. Last evaluated: 2021-10-15. Review status: criteria provided, single submitter. Criteria: ACMG Guidelines, 2015. Collection method: clinical testing. Allele origin: unknown.

GeneDx
Classification: Uncertain significance. Last evaluated: 2017-09-18. Review status: criteria provided, single submitter. Criteria: GeneDx Variant Classification (06012015). Collection method: clinical testing. Allele origin: germline. Affected: yes.
Comment: This variant is denoted PALB2 c.1471G>C at the cDNA level, p.Ala491Pro (A491P) at the protein level, and results in the change of an Alanine to a Proline (GCT>CCT). This variant has not, to our knowledge, been published in the literature as pathogenic or benign. PALB2 Ala491Pro was observed at an allele frequency of 0.08% (9/11576) in individuals of Latino ancestry in large population cohorts (NHLBI Exome Sequencing Project, The 1000 Genomes Consortium 2015, Lek 2016). Since Alanine and Proline differ in some properties, this is considered a semi-conservative amino acid substitution. PALB2 Ala491Pro occurs at a position that is not conserved and is not located in a functional domain. In silico analyses predict that this variant is unlikely to alter protein structure or function. Based on currently available evidence, it is unclear whether PALB2 Ala491Pro is a pathogenic or benign variant. We consider it to be a variant of uncertain significance.

Literature cited by the submitters: PubMed 31206626 (cited by Labcorp Genetics (formerly Invitae), Labcorp and Quest Diagnostics Nichols Institute San Juan Capistrano).

NM_024675.4(PALB2):c.1471G>C (p.Ala491Pro)

Gene: PALB2 (partner and localizer of BRCA2; minus strand). Cytogenetic location: 16p12.2.
Variant type: single nucleotide variant.
Coding change: c.1471G>C on transcript NM_024675.4 (MANE Select); coding-DNA position 1471, G replaced by C.
Protein change: p.Ala491Pro; replaces alanine 491 with proline.
Molecular consequence: missense variant.
Genome position (GRCh38, 1-based): chr16:23,635,075, C>G on the plus strand (G>C on the coding strand, the complement: PALB2 is on the minus strand). VCF-style: chr16-23635075-C-G. GRCh37 (hg19) VCF-style: chr16-23646396-C-G.
Other names: p.A491P:GCT>CCT; short protein forms A491P.
Identifiers: ClinVar variation 182789 (VCV000182789.26), dbSNP rs577969558, ClinGen allele CA299793.